The following is an entry in ClinVar:

NM_003737.4(DCHS1):c.5738C>T (p.Thr1913Ile)

Gene: DCHS1 (dachsous cadherin-related 1; minus strand). Cytogenetic location: 11p15.4.
Variant type: single nucleotide variant.
Coding change: c.5738C>T on transcript NM_003737.4 (MANE Select); coding-DNA position 5738, C replaced by T.
Protein change: p.Thr1913Ile; replaces threonine 1913 with isoleucine.
Molecular consequence: missense variant.
Genome position (GRCh38, 1-based): chr11:6,627,301, G>A on the plus strand (C>T on the coding strand, the complement: DCHS1 is on the minus strand). VCF-style: chr11-6627301-G-A. GRCh37 (hg19) VCF-style: chr11-6648532-G-A.
Other names: short protein forms T1913I.
Identifiers: ClinVar variation 4745293 (VCV004745293.1).
Genomic context (GRCh38, chr11:6,627,301, plus strand): 5'-TCCACTGCACTCACAGAAAAGGTGTAGCTGGGACACTGTTCTCTGTCCAAGGCTGCAGCT[G>A]TGCGCAGTTCTCCAGAGCTGGGCTCCAGCAGGAAGGCTCCTGCTGTACCGGCGCCCAGGT-3'
Protein context (NP_003728.1, residues 1903-1923): LLEPSSGELR[Thr1913Ile]AAALDREQCP

ClinVar aggregate classification (germline): Uncertain significance (1 of 4 stars; one submission).

gnomAD v4.1: 2 of 1,612,194 alleles (0.00012%); highest among the groups gnomAD compares: Non-Finnish European, 0.00017%; no homozygotes.

Submission:

Labcorp Genetics (formerly Invitae), Labcorp
Classification: Uncertain significance. Last evaluated: 2025-11-03. Review status: criteria provided, single submitter. Criteria: Invitae Variant Classification Sherloc (09022015). Collection method: clinical testing. Allele origin: germline.
Comment: This sequence change replaces threonine, which is neutral and polar, with isoleucine, which is neutral and non-polar, at codon 1913 of the DCHS1 protein (p.Thr1913Ile). This variant is not present in population databases (gnomAD no frequency). This variant has not been reported in the literature in individuals affected with DCHS1-related conditions. Invitae Evidence Modeling of protein sequence and biophysical properties (such as structural, functional, and spatial information, amino acid conservation, physicochemical variation, residue mobility, and thermodynamic stability) indicates that this missense variant is expected to disrupt DCHS1 protein function with a positive predictive value of 80%. In summary, the available evidence is currently insufficient to determine the role of this variant in disease. Therefore, it has been classified as a Variant of Uncertain Significance.